The following is an entry in ClinVar:

ClinVar aggregate classification (germline): Conflicting classifications of pathogenicity. Review status: criteria provided, conflicting classifications (1 of 4 stars). 4 submissions from 4 submitters: Uncertain significance (1); Likely benign (2). 1 of the submissions does not count toward it. Last evaluated 2025-04-26.

Conditions:
FLNA-related disorder.
Melnick-Needles syndrome (MNS). Also called: MELNICK-NEEDLES OSTEODYSPLASTY; OSTEODYSPLASTY OF MELNICK AND NEEDLES; Melnick-Needles Syndrome (FLNA-MNS). Identifiers: Orphanet 2484, MedGen C0025237, MONDO:0010650, OMIM 309350.
Frontometaphyseal dysplasia (FMD1). Identifiers: Orphanet 1826, MedGen C0265293, MONDO:0015942.
Heterotopia, periventricular, X-linked dominant (PVNH1). Also called: PERIVENTRICULAR NODULAR HETEROTOPIA 1; X-linked periventricular heterotopia; PERIVENTRICULAR NODULAR HETEROTOPIA 4; HETEROTOPIA, PERIVENTRICULAR, 1. Identifiers: Orphanet 2149, Orphanet 82004, MedGen C1848213, MONDO:0010233, OMIM 300049.
Oto-palato-digital syndrome, type II (OPD2). Also called: FACIOPALATOOSSEOUS SYNDROME; Otopalatodigital Syndrome, Type II; OPD II SYNDROME; Otopalatodigital Syndrome Type 2 (FLNA-OPD2). Identifiers: Orphanet 669, Orphanet 90652, MedGen C1844696, MONDO:0010571, OMIM 304120.
Connective tissue disorder. Also called: Connective tissue disease. Identifiers: MedGen C0009782, MONDO:0003900.

Allele frequency attached by ClinVar (database versions not stated): ExAC 0.00001; gnomAD exomes 0.00001 and 0.00002.
gnomAD v4.1: 17 of 1,212,052 alleles (0.0014%); highest among the groups gnomAD compares: Non-Finnish European, 0.0019%; no homozygotes.

Submissions (4):

Labcorp Genetics (formerly Invitae), Labcorp
Classification: Likely benign for Oto-palato-digital syndrome, type II; Heterotopia, periventricular, X-linked dominant; Frontometaphyseal dysplasia; Melnick-Needles syndrome. Last evaluated: 2025-04-26. Review status: criteria provided, single submitter. Criteria: Invitae Variant Classification Sherloc (09022015). Collection method: clinical testing. Allele origin: germline.

GeneDx
Classification: Uncertain significance. Last evaluated: 2021-09-29. Review status: criteria provided, single submitter. Criteria: GeneDx Variant Classification Process June 2021. Collection method: clinical testing. Allele origin: germline. Affected: yes.
Comment: Has not been previously published as pathogenic or benign to our knowledge; In silico analysis, which includes protein predictors and evolutionary conservation, supports a deleterious effect; Not observed at a significant frequency in large population cohorts (Lek et al., 2016); Reported in ClinVar but additional evidence is not available (ClinVar Variant ID 561301; Landrum et al., 2016)

Center for Human Genetics, Inc
Classification: Likely benign for Connective tissue disorder. Last evaluated: 2018-06-01. Review status: criteria provided, single submitter. Criteria: ACMG Guidelines, 2015. Collection method: clinical testing. Allele origin: germline. Affected: yes.

PreventionGenetics, part of Exact Sciences
Classification: Uncertain significance for FLNA-related condition. Last evaluated: 2024-05-23. Review status: no assertion criteria provided. Collection method: clinical testing. Allele origin: germline. Not counted in ClinVar's aggregate classification.
Comment: The FLNA c.1138G>A variant is predicted to result in the amino acid substitution p.Asp380Asn. To our knowledge, this variant has not been reported in the literature. This variant is reported in 0.0012% of alleles in individuals of European (Non-Finnish) descent in gnomAD. At this time, the clinical significance of this variant is uncertain due to the absence of conclusive functional and genetic evidence.

NM_001110556.2(FLNA):c.1138G>A (p.Asp380Asn)

Gene: FLNA (filamin A; minus strand). Cytogenetic location: Xq28.
Variant type: single nucleotide variant.
Coding change: c.1138G>A on transcript NM_001110556.2 (MANE Select); coding-DNA position 1138, G replaced by A.
Protein change: p.Asp380Asn; replaces aspartic acid 380 with asparagine.
Molecular consequence: missense variant.
Genome position (GRCh38, 1-based): chrX:154,366,398, C>T on the plus strand (G>A on the coding strand, the complement: FLNA is on the minus strand). VCF-style: chrX-154366398-C-T. GRCh37 (hg19) VCF-style: chrX-153594766-C-T.
Other names: c.1138G>A, p.Asp380Asn (NM_001456.4); c.1138G>A (NM_001110556.1); short protein forms D380N.
Identifiers: ClinVar variation 561301 (VCV000561301.15), dbSNP rs782090266, ClinGen allele CA10561251.